The following is an entry in ClinVar:

NM_032603.5(LOXL3):c.1271G>A (p.Ser424Asn)

Gene: LOXL3 (lysyl oxidase like 3; minus strand). Cytogenetic location: 2p13.1.
Variant type: single nucleotide variant.
Coding change: c.1271G>A on transcript NM_032603.5 (MANE Select); coding-DNA position 1271, G replaced by A.
Protein change: p.Ser424Asn; replaces serine 424 with asparagine.
Molecular consequence: missense variant.
Genome position (GRCh38, 1-based): chr2:74,535,733, C>T on the plus strand (G>A on the coding strand, the complement: LOXL3 is on the minus strand). VCF-style: chr2-74535733-C-T. GRCh37 (hg19) VCF-style: chr2-74762860-C-T.
Other names: c.836G>A, p.Ser279Asn (NM_001289164.3); c.188G>A, p.Ser63Asn (NM_001289165.2); c.1271G>A (NM_032603.2); short protein forms S279N, S424N, S63N.
Identifiers: ClinVar variation 1942390 (VCV001942390.5), dbSNP rs759864482, ClinGen allele CA1728928.

ClinVar aggregate classification (germline): Uncertain significance. Review status: criteria provided, multiple submitters, no conflicts (2 of 4 stars). 2 submissions from 2 submitters: Uncertain significance (2). Last evaluated 2025-08-21.

Allele frequency attached by ClinVar (database versions not stated): ExAC 0.00001; gnomAD 0.00001; gnomAD exomes 0.00001; TOPMed 0.00002.
gnomAD v4.1: 11 of 1,583,758 alleles (0.00069%); highest among the groups gnomAD compares: Non-Finnish European, 0.00094%; no homozygotes.

Submissions (2):

Ambry Genetics
Classification: Uncertain significance. Last evaluated: 2025-08-21. Review status: criteria provided, single submitter. Criteria: Ambry Variant Classification Scheme 2023. Collection method: clinical testing. Allele origin: germline.

Labcorp Genetics (formerly Invitae), Labcorp
Classification: Uncertain significance. Last evaluated: 2022-07-30. Review status: criteria provided, single submitter. Criteria: Invitae Variant Classification Sherloc (09022015). Collection method: clinical testing. Allele origin: germline.
Comment: In summary, the available evidence is currently insufficient to determine the role of this variant in disease. Therefore, it has been classified as a Variant of Uncertain Significance. Algorithms developed to predict the effect of missense changes on protein structure and function output the following: SIFT: "Deleterious"; PolyPhen-2: "Benign"; Align-GVGD: "Class C0". The asparagine amino acid residue is found in multiple mammalian species, which suggests that this missense change does not adversely affect protein function. This variant has not been reported in the literature in individuals affected with LOXL3-related conditions. The frequency data for this variant in the population databases is considered unreliable, as metrics indicate poor data quality at this position in the gnomAD database. This sequence change replaces serine, which is neutral and polar, with asparagine, which is neutral and polar, at codon 424 of the LOXL3 protein (p.Ser424Asn).